The following is an entry in ClinVar:

NM_014297.5(ETHE1):c.371G>T (p.Arg124Leu)

Gene: ETHE1 (ETHE1 persulfide dioxygenase; minus strand). Cytogenetic location: 19q13.31.
Variant type: single nucleotide variant.
Coding change: c.371G>T on transcript NM_014297.5 (MANE Select); coding-DNA position 371, G replaced by T.
Protein change: p.Arg124Leu; replaces arginine 124 with leucine.
Molecular consequence: missense variant. On other transcripts: intron variant (2).
Genome position (GRCh38, 1-based): chr19:43,526,205, C>A on the plus strand (G>T on the coding strand, the complement: ETHE1 is on the minus strand). VCF-style: chr19-43526205-C-A. GRCh37 (hg19) VCF-style: chr19-44030357-C-A.
Other names: NM_014297.5(ETHE1):c.371G>T; p.Arg124Leu; c.338G>T, p.Arg113Leu (NM_001320867.2); c.81+892G>T (NM_001320869.2); c.6+310G>T (NM_001320868.2); short protein forms R124L, R113L.
Identifiers: ClinVar variation 329442 (VCV000329442.11), dbSNP rs770508697, ClinGen allele CA9487892.

ClinVar aggregate classification (germline): Uncertain significance. Review status: reviewed by expert panel (3 of 4 stars). 4 submissions from 4 submitters: Uncertain significance (1). 3 of the submissions do not count toward it. Last evaluated 2020-08-18.

Conditions:
Ethylmalonic encephalopathy (EE). Also called: EPEMA syndrome; Encephalopathy, petechiae, and ethylmalonic aciduria; Syndrome of encephalopathy, petechiae, and ethylmalonic aciduria. Identifiers: Orphanet 51188, MedGen C1865349, MONDO:0011229, OMIM 602473. Disease mechanism: loss of function.

Allele frequency attached by ClinVar (database versions not stated): gnomAD 0.00002; gnomAD exomes 0.00002; TOPMed 0.00003; ExAC 0.00005.
gnomAD v4.1: 106 of 1,613,992 alleles (0.0066%); highest among the groups gnomAD compares: Non-Finnish European, 0.0088%; no homozygotes.

Submissions (4):

ClinGen Mitochondrial Disease Nuclear and Mitochondrial  Variant Curation Expert Panel, ClinGen
Classification: Uncertain significance for Ethylmalonic encephalopathy. Last evaluated: 2020-08-18. Review status: reviewed by expert panel. Criteria: clingen mito disease acmg specifications v1-1. Collection method: curation. Allele origin: germline. Inheritance: Autosomal recessive inheritance.
Comment: This variant was classified as a variant of uncertain significance as there has not been sufficient evidence to support either a benign or a pathogenic classification. Specifically, this variant has not been reported in the literature in affected or unaffected patients, has no published functional data, and although present in population databases with an allele frequency of 0.009%, it does not meet any of the cutoffs supporting a pathogenic or benign classification.

GeneDx
Classification: Uncertain significance. Last evaluated: 2023-05-30. Review status: criteria provided, single submitter. Criteria: GeneDx Variant Classification Process June 2021. Collection method: clinical testing. Allele origin: germline. Affected: yes. Not counted in ClinVar's aggregate classification.
Comment: Not observed at significant frequency in large population cohorts (gnomAD); In silico analysis supports that this missense variant has a deleterious effect on protein structure/function; Has not been previously published as pathogenic or benign to our knowledge

Illumina Laboratory Services, Illumina
Classification: Uncertain significance for Ethylmalonic encephalopathy. Last evaluated: 2018-01-13. Review status: criteria provided, single submitter. Criteria: ICSL Variant Classification Criteria 13 December 2019. Collection method: clinical testing. Allele origin: germline. Not counted in ClinVar's aggregate classification.

Mayo Clinic Laboratories, Mayo Clinic
Classification: Uncertain significance. Last evaluated: 2017-06-14. Review status: no assertion criteria provided. Collection method: clinical testing. Allele origin: unknown. Not counted in ClinVar's aggregate classification.